The following is an entry in ClinVar:

NM_001374828.1(ARID1B):c.6886C>T (p.Gln2296Ter)

Gene: ARID1B (AT-rich interaction domain 1B; plus strand). Cytogenetic location: 6q25.3.
Variant type: single nucleotide variant.
Coding change: c.6886C>T on transcript NM_001374828.1 (MANE Select); coding-DNA position 6886, C replaced by T.
Protein change: p.Gln2296Ter; replaces glutamine 2296 with a stop codon.
Molecular consequence: nonsense.
Genome position (GRCh38, 1-based): chr6:157,207,658, C>T. VCF-style: chr6-157207658-C-T. GRCh37 (hg19) VCF-style: chr6-157528792-C-T.
Other names: c.6637C>T, p.Gln2213Ter (NM_001346813.1); c.4387C>T, p.Gln1463Ter (NM_001363725.2); c.6766C>T, p.Gln2256Ter (NM_001371656.1, NM_001374820.1); c.6727C>T, p.Gln2243Ter (NM_017519.3); c.6517C>T, p.Gln2173Ter (NM_020732.3); c.6304C>T, p.Gln2102Ter (NM_175863.2); short protein forms Q2173*, Q2213*, Q2256*, Q2296*, Q2243*, Q1463*, Q2102*.
Identifiers: ClinVar variation 2854834 (VCV002854834.3), dbSNP rs1554238125, ClinGen allele CA366249279.
Genomic context (GRCh38, chr6:157,207,658, plus strand): 5'-AAAGGAAGCATTGGAAACTTGATAAGCTTCCTAGAGGATGGGGTCACGATGGCCCAGTAC[C>T]AGCAGAGCCAGCACAACCTCATGCACATGCAGCCCCCGCCCCTGGAACCACCTAGCGTAG-3'

ClinVar aggregate classification (germline): Pathogenic (1 of 4 stars; one submission).

Submission:

Labcorp Genetics (formerly Invitae), Labcorp
Classification: Pathogenic. Last evaluated: 2023-04-29. Review status: criteria provided, single submitter. Criteria: Invitae Variant Classification Sherloc (09022015). Collection method: clinical testing. Allele origin: germline.
Comment: This sequence change creates a premature translational stop signal (p.Gln2173*) in the ARID1B gene. While this is not anticipated to result in nonsense mediated decay, it is expected to disrupt the last 77 amino acid(s) of the ARID1B protein. For these reasons, this variant has been classified as Pathogenic. This variant disrupts a region of the ARID1B protein in which other variant(s) (p.Ser2311*) have been determined to be pathogenic (PMID: 31981384). This suggests that this is a clinically significant region of the protein, and that variants that disrupt it are likely to be disease-causing. This variant has not been reported in the literature in individuals affected with ARID1B-related conditions. This variant is not present in population databases (gnomAD no frequency).

Literature cited by the submitters: PubMed 31981384.